The following is an entry in ClinVar:

NM_000059.4(BRCA2):c.2343C>A (p.Asn781Lys)

Gene: BRCA2 (BRCA2 DNA repair associated; plus strand). Cytogenetic location: 13q13.1.
Variant type: single nucleotide variant.
Coding change: c.2343C>A on transcript NM_000059.4 (MANE Select); coding-DNA position 2343, C replaced by A.
Protein change: p.Asn781Lys; replaces asparagine 781 with lysine.
Molecular consequence: missense variant.
Genome position (GRCh38, 1-based): chr13:32,336,698, C>A. VCF-style: chr13-32336698-C-A. GRCh37 (hg19) VCF-style: chr13-32910835-C-A.
Other names: short protein forms N781K.
Identifiers: ClinVar variation 233195 (VCV000233195.16), dbSNP rs876660253, ClinGen allele CA10579534.

ClinVar aggregate classification (germline): Conflicting classifications of pathogenicity. Review status: criteria provided, conflicting classifications (1 of 4 stars). 4 submissions from 4 submitters: Uncertain significance (2); Likely benign (2). Last evaluated 2026-09-04.

Conditions:
Hereditary cancer-predisposing syndrome. Also called: Hereditary Cancer Syndrome; Tumor predisposition; Hereditary neoplastic syndrome; Neoplastic Syndromes, Hereditary. Identifiers: Orphanet 140162, MedGen C0027672, MeSH D009386, MONDO:0015356.
Hereditary breast ovarian cancer syndrome. Also called: Breast and ovarian cancer; Hereditary breast and ovarian cancer syndrome; BRCA1- and BRCA2-Associated Hereditary Breast and Ovarian Cancer; Hereditary breast and ovarian cancer syndrome (HBOC); Hereditary breast and/or ovarian cancer syndrome; Hereditary breast and ovarian cancer. Identifiers: Orphanet 145, MedGen C0677776, MeSH D061325, MONDO:0003582. Disease mechanism: loss of function.
Breast-ovarian cancer, familial, susceptibility to, 2 (BROVCA2). Also called: BRCA2 Hereditary Breast and Ovarian Cancer. Identifiers: Orphanet 145, MedGen C2675520, MONDO:0012933, OMIM 612555. Disease mechanism: loss of function.

Allele frequency attached by ClinVar (database versions not stated): TOPMed below 0.00001.
gnomAD v4.1: 1 of 1,613,700 alleles (0.000062%); highest among the groups gnomAD compares: Non-Finnish European, 0.000085%; no homozygotes.

Submissions (4):

Myriad Genetics, Inc.
Classification: Likely benign for Breast-ovarian cancer, familial, susceptibility to, 2. Last evaluated: 2026-09-04. Review status: criteria provided, single submitter. Criteria: Myriad Autosomal Dominant, Autosomal Recessive and X-Linked Classification Criteria (2023). Collection method: clinical testing. Allele origin: unknown.
Comment: This variant is considered likely benign. This variant is strongly associated with less severe personal and family histories of cancer, typical for individuals without pathogenic variants in this gene [PMID: 25085752].

Ambry Genetics
Classification: Uncertain significance for Hereditary cancer-predisposing syndrome. Last evaluated: 2024-12-15. Review status: criteria provided, single submitter. Criteria: Ambry Variant Classification Scheme 2023. Collection method: clinical testing. Allele origin: germline.
Comment: The p.N781K variant (also known as c.2343C>A), located in coding exon 10 of the BRCA2 gene, results from a C to A substitution at nucleotide position 2343. The asparagine at codon 781 is replaced by lysine, an amino acid with similar properties. This amino acid position is not well conserved in available vertebrate species. In addition, this alteration is predicted to be tolerated by in silico analysis. Since supporting evidence is limited at this time, the clinical significance of this alteration remains unclear.

Labcorp Genetics (formerly Invitae), Labcorp
Classification: Uncertain significance for Hereditary breast ovarian cancer syndrome. Last evaluated: 2023-06-28. Review status: criteria provided, single submitter. Criteria: Invitae Variant Classification Sherloc (09022015). Collection method: clinical testing. Allele origin: germline.
Comment: Advanced modeling of protein sequence and biophysical properties (such as structural, functional, and spatial information, amino acid conservation, physicochemical variation, residue mobility, and thermodynamic stability) performed at Invitae indicates that this missense variant is not expected to disrupt BRCA2 protein function. In summary, the available evidence is currently insufficient to determine the role of this variant in disease. Therefore, it has been classified as a Variant of Uncertain Significance. ClinVar contains an entry for this variant (Variation ID: 233195). This sequence change replaces asparagine, which is neutral and polar, with lysine, which is basic and polar, at codon 781 of the BRCA2 protein (p.Asn781Lys). This variant is not present in population databases (gnomAD no frequency). This variant has not been reported in the literature in individuals affected with BRCA2-related conditions.

University of Washington Department of Laboratory Medicine, University of Washington
Classification: Likely benign for Hereditary cancer-predisposing syndrome. Last evaluated: 2023-03-23. Review status: criteria provided, single submitter. Criteria: Dines et al. (Genet Med. 2020). Collection method: curation. Allele origin: germline.
Comment: Missense variant in a coldspot region where missense variants are very unlikely to be pathogenic (PMID:31911673).

BRCA2 exon 11 coldspot. Reclassification based on statistical prior probability.

Literature cited by the submitters: PubMed 25085752 (cited by Myriad Genetics, Inc.).